The following is an entry in ClinVar:

NM_003200.5(TCF3):c.1324C>T (p.Leu442=)

Gene: TCF3 (transcription factor 3; minus strand). Cytogenetic location: 19p13.3.
Variant type: single nucleotide variant.
Coding change: c.1324C>T on transcript NM_003200.5 (MANE Select); coding-DNA position 1324, C replaced by T.
Protein change: p.Leu442=; no amino-acid change (leucine 442 retained).
Molecular consequence: synonymous variant.
Genome position (GRCh38, 1-based): chr19:1,619,318, G>A on the plus strand (C>T on the coding strand, the complement: TCF3 is on the minus strand). VCF-style: chr19-1619318-G-A. GRCh37 (hg19) VCF-style: chr19-1619317-G-A.
Other names: c.1324C>T, p.Leu442= (NM_001136139.4, NM_001351779.2); c.1321C>T, p.Leu441= (NM_001351778.2).
Identifiers: ClinVar variation 793015 (VCV000793015.11), dbSNP rs553896459, ClinGen allele CA9049929.
Genomic context (GRCh38, chr19:1,619,318, plus strand): 5'-CATCAGGGGGAGCCGGGTCCCCGCCCACTGCCCAGCTCCACCCTCGCCCAGCGCTCACCA[G>A]GCCTGCGTGCCGCCCGCCCAGTGACATGGGGCCGGTGAAACCTGAGGCCAGCGCCCCGTG-3'
Protein context (NP_003191.1, residues 432-452): PMSLGGRHAG[Leu442=]VGGSHPEDGL

ClinVar aggregate classification (germline): Likely benign. Review status: criteria provided, multiple submitters, no conflicts (2 of 4 stars). 3 submissions from 3 submitters: Likely benign (2). 1 of the submissions does not count toward it. Last evaluated 2025-10-08.

Conditions:
TCF3-related disorder. Also called: TCF3-related condition.

Allele frequency attached by ClinVar (database versions not stated): gnomAD 0.00003; TOPMed 0.00004; ExAC 0.00006; 1000 Genomes Project 0.00020; 1000 Genomes Project 30x 0.00031.

Submissions (3):

Labcorp Genetics (formerly Invitae), Labcorp
Classification: Likely benign. Last evaluated: 2025-10-08. Review status: criteria provided, single submitter. Criteria: Invitae Variant Classification Sherloc (09022015). Collection method: clinical testing. Allele origin: germline.

Blueprint Genetics
Classification: Likely benign. Last evaluated: 2024-11-05. Review status: criteria provided, single submitter. Criteria: ACMG Guidelines, 2015. Collection method: clinical testing. Allele origin: germline.

PreventionGenetics, part of Exact Sciences
Classification: Likely benign for TCF3-related condition. Last evaluated: 2024-07-23. Review status: no assertion criteria provided. Collection method: clinical testing. Allele origin: germline. Not counted in ClinVar's aggregate classification.
Comment: This variant is classified as likely benign based on ACMG/AMP sequence variant interpretation guidelines (Richards et al. 2015 PMID: 25741868, with internal and published modifications).